The following is an entry in ClinVar:

ClinVar aggregate classification (germline): Uncertain significance (1 of 4 stars; one submission).

Submission:

Labcorp Genetics (formerly Invitae), Labcorp
Classification: Uncertain significance. Last evaluated: 2023-11-28. Review status: criteria provided, single submitter. Criteria: Invitae Variant Classification Sherloc (09022015). Collection method: clinical testing. Allele origin: germline.
Comment: This sequence change replaces histidine, which is basic and polar, with arginine, which is basic and polar, at codon 140 of the FZD2 protein (p.His140Arg). This variant is present in population databases (no rsID available, gnomAD 0.003%). This variant has not been reported in the literature in individuals affected with FZD2-related conditions. Advanced modeling of protein sequence and biophysical properties (such as structural, functional, and spatial information, amino acid conservation, physicochemical variation, residue mobility, and thermodynamic stability) performed at Invitae indicates that this missense variant is not expected to disrupt FZD2 protein function with a negative predictive value of 80%. In summary, the available evidence is currently insufficient to determine the role of this variant in disease. Therefore, it has been classified as a Variant of Uncertain Significance.

NM_001466.4(FZD2):c.419A>G (p.His140Arg)

Gene: FZD2 (frizzled class receptor 2; plus strand). Cytogenetic location: 17q21.31.
Variant type: single nucleotide variant.
Coding change: c.419A>G on transcript NM_001466.4 (MANE Select); coding-DNA position 419, A replaced by G.
Protein change: p.His140Arg; replaces histidine 140 with arginine.
Molecular consequence: missense variant.
Genome position (GRCh38, 1-based): chr17:44,558,107, A>G. VCF-style: chr17-44558107-A-G. GRCh37 (hg19) VCF-style: chr17-42635475-A-G.
Other names: short protein forms H140R.
Identifiers: ClinVar variation 2873543 (VCV002873543.3), dbSNP rs1174987770, ClinGen allele CA399792201.